The following is an entry in ClinVar:

ClinVar aggregate classification (germline): Uncertain significance (1 of 4 stars; one submission).

Conditions:
Hereditary cancer-predisposing syndrome. Also called: Neoplastic Syndromes, Hereditary; Tumor predisposition; Hereditary Cancer Syndrome; Hereditary neoplastic syndrome. Identifiers: Orphanet 140162, MedGen C0027672, MeSH D009386, MONDO:0015356.

gnomAD v4.1: 2 of 1,594,364 alleles (0.00013%); highest among the groups gnomAD compares: Non-Finnish European, 0.00017%; no homozygotes.

Submission:

Ambry Genetics
Classification: Uncertain significance for Hereditary cancer-predisposing syndrome. Last evaluated: 2026-04-03. Review status: criteria provided, single submitter. Criteria: Ambry Variant Classification Scheme 2023. Collection method: clinical testing. Allele origin: germline.
Comment: The p.R808P variant (also known as c.2423G>C), located in coding exon 19 of the POLD1 gene, results from a G to C substitution at nucleotide position 2423. The arginine at codon 808 is replaced by proline, an amino acid with dissimilar properties. This amino acid position is highly conserved in available vertebrate species. In addition, this alteration is predicted to be deleterious by in silico analysis. Based on the available evidence, the clinical significance of this variant remains unclear.

NM_002691.4(POLD1):c.2423G>C (p.Arg808Pro)

Gene: POLD1 (DNA polymerase delta 1, catalytic subunit; plus strand). Cytogenetic location: 19q13.33.
Variant type: single nucleotide variant.
Coding change: c.2423G>C on transcript NM_002691.4 (MANE Select); coding-DNA position 2423, G replaced by C.
Protein change: p.Arg808Pro; replaces arginine 808 with proline.
Molecular consequence: missense variant. On other transcripts: non-coding transcript variant (1).
Genome position (GRCh38, 1-based): chr19:50,414,849, G>C. VCF-style: chr19-50414849-G-C. GRCh37 (hg19) VCF-style: chr19-50918106-G-C.
Other names: c.2423G>C, p.Arg808Pro (NM_001256849.1, NM_001438212.1, NM_001438213.1); c.2501G>C, p.Arg834Pro (NM_001308632.1); c.2351G>C, p.Arg784Pro (NM_001438210.1, NM_001438211.1); short protein forms R784P, R808P, R834P.
Identifiers: ClinVar variation 4862172 (VCV004862172.1).